The following is an entry in ClinVar:

NM_000057.4(BLM):c.3616del (p.Ala1206fs)

Gene: BLM (BLM RecQ like helicase; plus strand). Cytogenetic location: 15q26.1.
Variant type: Deletion.
Coding change: c.3616del on transcript NM_000057.4 (MANE Select); coding-DNA position 3616, one base deleted (G; older notation c.3616delG).
Protein change: p.Ala1206fs; shifts the reading frame from alanine 1206.
Molecular consequence: frameshift variant. On other transcripts: intron variant (1).
Genome position (GRCh38, 1-based): chr15:90,804,224, G deleted. VCF-style (leftmost placement, unchanged base first): chr15-90804223-AG-A. GRCh37 (hg19) VCF-style: chr15-91347453-AG-A.
Other names: c.3616del, p.Ala1206fs (NM_001287246.2); c.2491del, p.Ala831fs (NM_001287248.2); c.3359-4913del (NM_001287247.2); short protein forms A1206fs, A831fs.
Identifiers: ClinVar variation 1069141 (VCV001069141.7), dbSNP rs2151194859, ClinGen allele CA2499223169.

ClinVar aggregate classification (germline): Pathogenic (1 of 4 stars; one submission).

Conditions:
Bloom syndrome (BLM). Also called: Bloom-Torre-Machacek syndrome. Identifiers: Orphanet 125, MedGen C0005859, MONDO:0008876, OMIM 210900.

Submission:

Labcorp Genetics (formerly Invitae), Labcorp
Classification: Pathogenic for Bloom syndrome. Last evaluated: 2020-10-07. Review status: criteria provided, single submitter. Criteria: Invitae Variant Classification Sherloc (09022015). Collection method: clinical testing. Allele origin: germline.
Comment: This sequence change creates a premature translational stop signal (p.Ala1206Glnfs*73) in the BLM gene. It is expected to result in an absent or disrupted protein product. For these reasons, this variant has been classified as Pathogenic. Loss-of-function variants in BLM are known to be pathogenic (PMID: 17407155). This variant has not been reported in the literature in individuals with BLM-related conditions. This variant is not present in population databases (ExAC no frequency).

Literature cited by the submitters: PubMed 17407155.